The following is an entry in ClinVar:

NM_001009944.3(PKD1):c.7973_7974del (p.Val2658fs)

Gene: PKD1 (polycystin 1, transient receptor potential channel interacting; minus strand). Cytogenetic location: 16p13.3.
Variant type: Microsatellite.
Coding change: c.7973_7974del on transcript NM_001009944.3 (MANE Select); coding-DNA positions 7973 to 7974, 2 bases deleted (TG; older notation c.7973_7974delTG).
Protein change: p.Val2658fs; shifts the reading frame from valine 2658.
Molecular consequence: frameshift variant.
Genome position (GRCh38, 1-based): chr16:2,105,364-2,105,365, CA deleted on the plus strand (TG on the coding strand, the reverse complement: PKD1 is on the minus strand); deleting any 2 consecutive bases within chr16:2,105,364-2,105,367 gives the same sequence; the c. name uses the placement nearest the transcript's 3' end. VCF-style (leftmost placement, unchanged base first): chr16-2105363-CCA-C. GRCh37 (hg19) VCF-style: chr16-2155364-CCA-C.
Other names: c.7973_7974del, p.Val2658fs (NM_000296.4); c.7973_7974delTG (NM_001009944.3); short protein forms V2658fs.
Identifiers: ClinVar variation 997318 (VCV000997318.6), dbSNP rs2092302256, ClinGen allele CA2202030294.
Genomic context (GRCh38, chr16:2,105,363, plus strand): 5'-GCAGGTGGGGCCATCCTACCATGCACTGGGCCAGCGCAGCAGCGATCTGCTGGATGTCAT[CCA>C]CAGTGTGGACCCTCAGGGACACCAGAGTCTCCGTGATGTTCTTGCGTATCTGGGCTCGGT-3'

ClinVar aggregate classification (germline): Pathogenic. Review status: criteria provided, multiple submitters, no conflicts (2 of 4 stars). 5 submissions from 5 submitters: Pathogenic (2). 3 of the submissions do not count toward it. Last evaluated 2025-05-01.

Conditions:
Polycystic kidney disease, adult type (PKD1). Also called: Polycystic Kidney Disease 1, Autosomal Dominant; Polycystic kidney disease 1; Polycystic kidney disease 1, severe; POLYCYSTIC KIDNEY DISEASE 1 WITH OR WITHOUT POLYCYSTIC LIVER DISEASE; POLYCYSTIC KIDNEY DISEASE, ADULT, TYPE I; Polycystic Kidney, Autosomal Dominant. Identifiers: MedGen C3149841, MONDO:0008263, OMIM 173900.
Polycystic kidney disease. Also called: Kidney, Polycystic; Polycystic kidney dysplasia. Identifiers: MedGen C0022680, MeSH D007690, MONDO:0020642, HP:0000113.
PKD1-related disorder. Also called: PKD1-related condition.

Submissions (5):

Women's Health and Genetics/Laboratory Corporation of America, LabCorp
Classification: Pathogenic for Polycystic kidney disease, adult type. Last evaluated: 2025-05-01. Review status: criteria provided, single submitter. Criteria: LabCorp Variant Classification Summary - May 2015. Collection method: clinical testing. Allele origin: germline.
Comment: Variant summary: PKD1 c.7973_7974delTG (p.Val2658GlyfsX2) results in a premature termination codon, predicted to cause a truncation of the encoded protein or absence of the protein due to nonsense mediated decay, which are commonly known mechanisms for disease. The variant was absent in 228822 control chromosomes. c.7973_7974delTG has been observed in individual(s) affected with Polycystic Kidney Disease 1 (example: Kim_2019). These data indicate that the variant is associated with disease. To our knowledge, no experimental evidence demonstrating an impact on protein function has been reported. The following publication have been ascertained in the context of this evaluation (PMID: 31740684). ClinVar contains an entry for this variant (Variation ID: 997318). Based on the evidence outlined above, the variant was classified as pathogenic.

Blueprint Genetics
Classification: Pathogenic for PKD1-related disorders. Last evaluated: 2022-08-08. Review status: criteria provided, single submitter. Criteria: ACMG Guidelines, 2015. Collection method: clinical testing. Allele origin: germline. Affected: yes. Observed: 3 variant alleles.

Department of Pathology and Laboratory Medicine, Sinai Health System
Classification: Pathogenic for Polycystic Kidney disease. Review status: no assertion criteria provided. Collection method: clinical testing. Allele origin: unknown. Affected: yes. Study: The Canadian Open Genetics Repository (COGR). Not counted in ClinVar's aggregate classification.
Comment: The PKD1 p.Val2658GlyfsX2 variant was not identified in the literature nor was it identified in the dbSNP, ClinVar, LOVD 3.0, ADPKD Mutation Database, PKD1-LOVD, databases. The variant was not identified in the 1000 Genomes Project, the NHLBI GO Exome Sequencing Project or the Exome Aggregation Consortium (August 8th 2016) control databases. The c.7973_7974delTG variant is predicted to cause a frameshift, which alters the protein amino acid sequence beginning at codon 2658 and leads to a premature stop codon at position 2659. This alteration is then predicted to result in a truncated or absent protein and loss of function. Loss of function variants of the PKD1 gene are an established mechanism of disease in autosomal dominant polycystic kidney disease and is the type of variant expected to cause the disorder. In summary, based on the above information, this variant meets our laboratoryâ€šÃ„Ã´s criteria to be classified as pathogenic.

Joint Genome Diagnostic Labs from Nijmegen and Maastricht, Radboudumc and MUMC+
Classification: Pathogenic. Review status: no assertion criteria provided. Collection method: clinical testing. Allele origin: germline. Affected: yes. Study: VKGL Data-share Consensus. Not counted in ClinVar's aggregate classification.

Laboratory of Diagnostic Genome Analysis, Leiden University Medical Center (LUMC)
Classification: Pathogenic. Review status: no assertion criteria provided. Collection method: clinical testing. Allele origin: germline. Affected: yes. Study: VKGL Data-share Consensus. Not counted in ClinVar's aggregate classification.

Literature cited by the submitters: PubMed 31740684 (cited by Women's Health and Genetics/Laboratory Corporation of America, LabCorp).